The following is an entry in ClinVar:

NM_015295.3(SMCHD1):c.2078dup (p.Leu693fs)

Gene: SMCHD1 (structural maintenance of chromosomes flexible hinge domain containing 1; plus strand). Cytogenetic location: 18p11.32.
Variant type: Duplication.
Coding change: c.2078dup on transcript NM_015295.3 (MANE Select); coding-DNA position 2078, one base duplicated (T; older notation c.2078dupT).
Protein change: p.Leu693fs; shifts the reading frame from leucine 693.
Molecular consequence: frameshift variant.
Genome position (GRCh38, 1-based): chr18:2,707,577, T duplicated; the last of 2 consecutive T bases (chr18:2,707,576-2,707,577); duplicating either gives the same sequence. VCF-style (leftmost placement, unchanged base first): chr18-2707575-A-AT. GRCh37 (hg19) VCF-style: chr18-2707573-A-AT.
Other names: short protein forms L693fs.
Identifiers: ClinVar variation 1380529 (VCV001380529.6), dbSNP rs2143255337, ClinGen allele CA2573155049.
Genomic context (GRCh38, chr18:2,707,575, plus strand): 5'-CATAATTAACAAAGTTTGTGGAACATTAATATGCTGGTTTCATAACAGGCTCCCTGATAG[A>AT]TTGTCAGTAACTTGGCCTGAAGGAGATGAATTATTGCCTAATGAGGTTAGGCCTGCTGGA-3'

ClinVar aggregate classification (germline): Pathogenic (1 of 4 stars; one submission).

Conditions:
Facioscapulohumeral muscular dystrophy 2 (FSHD2). Also called: FSHD2, DIGENIC; MUSCULAR DYSTROPHY, FACIOSCAPULOHUMERAL, TYPE 1B; FACIOSCAPULOHUMERAL MUSCULAR DYSTROPHY 2, DIGENIC. Identifiers: Orphanet 269, MedGen C1834671, MONDO:0008031, OMIM 158901.

Submission:

Labcorp Genetics (formerly Invitae), Labcorp
Classification: Pathogenic for Facioscapulohumeral muscular dystrophy 2. Last evaluated: 2021-10-18. Review status: criteria provided, single submitter. Criteria: Invitae Variant Classification Sherloc (09022015). Collection method: clinical testing. Allele origin: germline.
Comment: For these reasons, this variant has been classified as Pathogenic. This variant has not been reported in the literature in individuals affected with SMCHD1-related conditions. This variant is not present in population databases (ExAC no frequency). This sequence change creates a premature translational stop signal (p.Leu693Phefs*7) in the SMCHD1 gene. It is expected to result in an absent or disrupted protein product. Loss-of-function variants in SMCHD1 are known to be pathogenic (PMID: 23143600).

Literature cited by the submitters: PubMed 23143600.